The following is an entry in ClinVar:

NM_000297.4(PKD2):c.1077del (p.Arg361fs)

Gene: PKD2 (polycystin 2, transient receptor potential cation channel; plus strand). Cytogenetic location: 4q22.1.
Variant type: Deletion.
Coding change: c.1077del on transcript NM_000297.4 (MANE Select); coding-DNA position 1077, one base deleted (G; older notation c.1077delG).
Protein change: p.Arg361fs; shifts the reading frame from arginine 361.
Molecular consequence: frameshift variant. On other transcripts: non-coding transcript variant (1).
Genome position (GRCh38, 1-based): chr4:88,038,484, G deleted; the last of 3 consecutive G bases (chr4:88,038,482-88,038,484); deleting any one gives the same sequence. VCF-style (leftmost placement, unchanged base first): chr4-88038481-TG-T. GRCh37 (hg19) VCF-style: chr4-88959633-TG-T.
Other names: c.1077del, p.Arg361fs (NM_001440544.1); short protein forms R361fs.
Identifiers: ClinVar variation 4996634 (VCV004996634.1).

ClinVar aggregate classification (germline): Pathogenic (1 of 4 stars; one submission).

Conditions:
PKD2-related disorder. Also called: PKD2-related condition.

Submission:

PreventionGenetics, part of Exact Sciences
Classification: Pathogenic for PKD2-related condition. Last evaluated: 2025-09-03. Review status: criteria provided, single submitter. Criteria: ACMG Guidelines, 2015. Collection method: clinical testing. Allele origin: germline.
Comment: The PKD2 c.1077delG variant is predicted to result in a frameshift and premature protein termination (p.Arg361Glufs*14). To our knowledge, this variant has not been reported in the literature or in a large population database (gnomAD), indicating this variant is rare. Frameshift variants in PKD2 are expected to be pathogenic. This variant is interpreted as pathogenic.